The following is an entry in ClinVar:

NM_001572.5(IRF7):c.20+7G>A

Gene: IRF7 (interferon regulatory factor 7; minus strand). Cytogenetic location: 11p15.5.
Variant type: single nucleotide variant.
Coding change: c.20+7G>A on transcript NM_001572.5 (MANE Select); 7 bases into the intron after coding-DNA position 20, G replaced by A.
Molecular consequence: intron variant. On other transcripts: 5 prime UTR variant (1).
Genome position (GRCh38, 1-based): chr11:615,338, C>T on the plus strand (G>A on the coding strand, the complement: IRF7 is on the minus strand). VCF-style: chr11-615338-C-T. GRCh37 (hg19) VCF-style: chr11-615338-C-T.
Other names: c.-20G>A (NM_004031.4); c.20+7G>A (NM_004029.4).
Identifiers: ClinVar variation 3054189 (VCV003054189.2), dbSNP rs775424777, ClinGen allele CA5784136.

ClinVar aggregate classification (germline): Likely benign (0 of 4 stars; one submission).

Conditions:
IRF7-related disorder. Also called: IRF7-related condition.

Allele frequency attached by ClinVar (database versions not stated): gnomAD 0.00003; TOPMed 0.00003; ExAC 0.00010.

Submission:

PreventionGenetics, part of Exact Sciences
Classification: Likely benign for IRF7-related condition. Last evaluated: 2020-03-30. Review status: no assertion criteria provided. Collection method: clinical testing. Allele origin: germline.
Comment: This variant is classified as likely benign based on ACMG/AMP sequence variant interpretation guidelines (Richards et al. 2015 PMID: 25741868, with internal and published modifications).